The following is an entry in ClinVar:

ClinVar aggregate classification (germline): Uncertain significance (1 of 4 stars; one submission).

Conditions:
Hereditary cancer-predisposing syndrome. Also called: Tumor predisposition; Hereditary neoplastic syndrome; Hereditary Cancer Syndrome; Neoplastic Syndromes, Hereditary. Identifiers: Orphanet 140162, MedGen C0027672, MeSH D009386, MONDO:0015356.

Submission:

Ambry Genetics
Classification: Uncertain significance for Hereditary cancer-predisposing syndrome. Last evaluated: 2025-03-29. Review status: criteria provided, single submitter. Criteria: Ambry Variant Classification Scheme 2023. Collection method: clinical testing. Allele origin: germline.
Comment: The p.I1392F variant (also known as c.4174A>T), located in coding exon 29 of the SMARCA4 gene, results from an A to T substitution at nucleotide position 4174. The isoleucine at codon 1392 is replaced by phenylalanine, an amino acid with highly similar properties. This amino acid position is conserved. In addition, this alteration is predicted to be tolerated by in silico analysis. Based on the available evidence, the clinical significance of this variant remains unclear.

NM_001387283.1(SMARCA4):c.4174A>T (p.Ile1392Phe)

Gene: SMARCA4 (SWI/SNF related BAF chromatin remodeling complex subunit ATPase 4; plus strand). Cytogenetic location: 19p13.2.
Variant type: single nucleotide variant.
Coding change: c.4174A>T on transcript NM_001387283.1 (MANE Plus Clinical); coding-DNA position 4174, A replaced by T.
Protein change: p.Ile1392Phe; replaces isoleucine 1392 with phenylalanine.
Molecular consequence: missense variant. On other transcripts: intron variant (7).
Genome position (GRCh38, 1-based): chr19:11,039,461, A>T. VCF-style: chr19-11039461-A-T. GRCh37 (hg19) VCF-style: chr19-11150137-A-T.
Other names: c.4174A>T, p.Ile1392Phe (NM_001128849.3); c.4075A>T, p.Ile1359Phe (NM_001411150.1); c.4171-1846A>T (NM_001128844.3, NM_003072.5); c.4072-1846A>T (NM_001128847.4, NM_001374457.1, NM_001128848.2); c.4072-1837A>T (NM_001128845.2, NM_001128846.2); short protein forms I1392F, I1359F.
Identifiers: ClinVar variation 3958430 (VCV003958430.1).